The following is an entry in ClinVar:

NM_006904.7(PRKDC):c.8203G>T (p.Asp2735Tyr)

Gene: PRKDC (protein kinase, DNA-activated, catalytic subunit; minus strand). Cytogenetic location: 8q11.21.
Variant type: single nucleotide variant.
Coding change: c.8203G>T on transcript NM_006904.7 (MANE Select); coding-DNA position 8203, G replaced by T.
Protein change: p.Asp2735Tyr; replaces aspartic acid 2735 with tyrosine.
Molecular consequence: missense variant.
Genome position (GRCh38, 1-based): chr8:47,831,876, C>A on the plus strand (G>T on the coding strand, the complement: PRKDC is on the minus strand). VCF-style: chr8-47831876-C-A. GRCh37 (hg19) VCF-style: chr8-48744437-C-A.
Other names: c.8203G>T, p.Asp2735Tyr (NM_001081640.2); short protein forms D2735Y.
Identifiers: ClinVar variation 1972189 (VCV001972189.5), dbSNP rs1279269668, ClinGen allele CA371147710.

ClinVar aggregate classification (germline): Uncertain significance (1 of 4 stars; one submission).

Conditions:
Severe combined immunodeficiency due to DNA-PKcs deficiency. Also called: IMMUNODEFICIENCY 26 WITH NEUROLOGIC ABNORMALITIES; Immunodeficiency 26 with or without neurologic abnormalities. Identifiers: Orphanet 317425, MedGen C4014833, MONDO:0014423, OMIM 615966.

Allele frequency attached by ClinVar (database versions not stated): gnomAD 0.00001; TOPMed 0.00001.
gnomAD v4.1: 2 of 1,613,876 alleles (0.00012%); highest among the groups gnomAD compares: African/African-American, 0.0013%; no homozygotes.

Submission:

Labcorp Genetics (formerly Invitae), Labcorp
Classification: Uncertain significance for Severe combined immunodeficiency due to DNA-PKcs deficiency. Last evaluated: 2025-01-06. Review status: criteria provided, single submitter. Criteria: Invitae Variant Classification Sherloc (09022015). Collection method: clinical testing. Allele origin: germline.
Comment: This sequence change replaces aspartic acid, which is acidic and polar, with tyrosine, which is neutral and polar, at codon 2735 of the PRKDC protein (p.Asp2735Tyr). The frequency data for this variant in the population databases is considered unreliable, as metrics indicate poor data quality at this position in the gnomAD database. This variant has not been reported in the literature in individuals affected with PRKDC-related conditions. ClinVar contains an entry for this variant (Variation ID: 1972189). Invitae Evidence Modeling of protein sequence and biophysical properties (such as structural, functional, and spatial information, amino acid conservation, physicochemical variation, residue mobility, and thermodynamic stability) indicates that this missense variant is expected to disrupt PRKDC protein function with a positive predictive value of 80%. In summary, the available evidence is currently insufficient to determine the role of this variant in disease. Therefore, it has been classified as a Variant of Uncertain Significance.